The following is an entry in ClinVar:

NM_052845.4(MMAB):c.*378T>A

Gene: MMAB (metabolism of cobalamin associated B; minus strand). Cytogenetic location: 12q24.11.
Variant type: single nucleotide variant.
Coding change: c.*378T>A on transcript NM_052845.4 (MANE Select); 378 bases downstream of the stop codon, T replaced by A.
Molecular consequence: 3 prime UTR variant. On other transcripts: non-coding transcript variant (1).
Genome position (GRCh38, 1-based): chr12:109,556,650, A>T on the plus strand (T>A on the coding strand, the complement: MMAB is on the minus strand). VCF-style: chr12-109556650-A-T. GRCh37 (hg19) VCF-style: chr12-109994455-A-T.
Identifiers: ClinVar variation 307071 (VCV000307071.6), dbSNP rs66497319, ClinGen allele CA6778697.

ClinVar aggregate classification (germline): Benign. Review status: criteria provided, multiple submitters, no conflicts (2 of 4 stars). 2 submissions from 2 submitters: Benign (2). Last evaluated 2018-01-12.

Conditions:
Methylmalonic aciduria, cblB type (MACB). Also called: Vitamin B12-responsive methylmalonic acidemia type cblB; METHYLMALONIC ACIDURIA, VITAMIN B12-RESPONSIVE, DUE TO DEFECT IN SYNTHESIS OF ADENOSYLCOBALAMIN, cblB TYPE; Methylmalonic acidemia cblB type. Identifiers: Orphanet 28, Orphanet 79311, MedGen C1855102, MONDO:0009614, OMIM 251110.

Allele frequency attached by ClinVar (database versions not stated): gnomAD 0.08004 and 0.08528; gnomAD exomes 0.01184; ExAC 0.05740.

Submissions (2):

Illumina Laboratory Services, Illumina
Classification: Benign for Methylmalonic aciduria, cblB type. Last evaluated: 2018-01-12. Review status: criteria provided, single submitter. Criteria: ICSL Variant Classification Criteria 13 December 2019. Collection method: clinical testing. Allele origin: germline.
Comment: This variant was observed in the ICSL laboratory as part of a predisposition screen in an ostensibly healthy population. It had not been previously curated by ICSL or reported in the Human Gene Mutation Database (HGMD: prior to June 1st, 2018), and was therefore a candidate for classification through an automated scoring system. Utilizing variant allele frequency, disease prevalence and penetrance estimates, and inheritance mode, an automated score was calculated to assess if this variant is too frequent to cause the disease. Based on the score and internal cut-off values, a variant classified as benign is not then subjected to further curation. The score for this variant resulted in a classification of benign for this disease.

Breakthrough Genomics
Classification: Benign. Review status: criteria provided, single submitter. Criteria: ACMG Guidelines, 2015. Collection method: not provided. Allele origin: germline. Inheritance: Autosomal recessive inheritance. Affected: yes.